The following is an entry in ClinVar:

NM_001267550.2(TTN):c.53552T>C (p.Ile17851Thr)

Genes: TTN (titin; minus strand), TTN-AS1 (TTN antisense RNA 1; plus strand). Cytogenetic location: 2q31.2.
Variant type: single nucleotide variant.
Coding change: c.53552T>C on transcript NM_001267550.2 (MANE Select); coding-DNA position 53552, T replaced by C.
Protein change: p.Ile17851Thr; replaces isoleucine 17851 with threonine.
Molecular consequence: missense variant.
Genome position (GRCh38, 1-based): chr2:178,607,050, A>G on the plus strand (T>C on the coding strand, the complement: TTN is on the minus strand). VCF-style: chr2-178607050-A-G. GRCh37 (hg19) VCF-style: chr2-179471777-A-G.
Other names: c.48629T>C, p.Ile16210Thr (NM_001256850.1); c.26357T>C, p.Ile8786Thr (NM_003319.4); c.45848T>C, p.Ile15283Thr (NM_133378.4); c.26732T>C, p.Ile8911Thr (NM_133432.3); c.26933T>C, p.Ile8978Thr (NM_133437.4); short protein forms I16210T, I15283T, I8786T, I8911T, I8978T, I17851T.
Identifiers: ClinVar variation 3571586 (VCV003571586.1).

ClinVar aggregate classification (germline): Uncertain significance (1 of 4 stars; one submission).

gnomAD v4.1: 4 of 1,611,514 alleles (0.00025%); highest among the groups gnomAD compares: Middle Eastern, 0.017%; no homozygotes.

Submission:

Athena Diagnostics
Classification: Uncertain significance. Last evaluated: 2024-07-02. Review status: criteria provided, single submitter. Criteria: Athena Diagnostics Criteria. Collection method: clinical testing. Allele origin: unknown.
Comment: Available data are insufficient to determine the clinical significance of the variant at this time. This variant has not been reported in large, multi-ethnic general populations. PolyPhen could not make a prediction for this variant. MutationTaster predicts this amino acid change may be benign.